The following is an entry in ClinVar:

ClinVar aggregate classification (germline): Uncertain significance. Review status: criteria provided, multiple submitters, no conflicts (2 of 4 stars). 2 submissions from 2 submitters: Uncertain significance (2). Last evaluated 2024-04-30.

Allele frequency attached by ClinVar (database versions not stated): TOPMed below 0.00001; gnomAD exomes 0.00001.

Submissions (2):

GeneDx
Classification: Uncertain significance. Last evaluated: 2024-04-30. Review status: criteria provided, single submitter. Criteria: GeneDx Variant Classification Process June 2021. Collection method: clinical testing. Allele origin: germline. Affected: yes.
Comment: Not observed at significant frequency in large population cohorts (gnomAD); In silico analysis supports that this missense variant has a deleterious effect on protein structure/function; Has not been previously published as pathogenic or benign to our knowledge; This variant is associated with the following publications: (PMID: 26986877)

Labcorp Genetics (formerly Invitae), Labcorp
Classification: Uncertain significance. Last evaluated: 2023-05-26. Review status: criteria provided, single submitter. Criteria: Invitae Variant Classification Sherloc (09022015). Collection method: clinical testing. Allele origin: germline.
Comment: In summary, the available evidence is currently insufficient to determine the role of this variant in disease. Therefore, it has been classified as a Variant of Uncertain Significance. An algorithm developed to predict the effect of missense changes on protein structure and function (PolyPhen-2) suggests that this variant is likely to be disruptive. ClinVar contains an entry for this variant (Variation ID: 2124628). This variant has not been reported in the literature in individuals affected with NR2F1-related conditions. This variant is not present in population databases (gnomAD no frequency). This sequence change replaces alanine, which is neutral and non-polar, with threonine, which is neutral and polar, at codon 332 of the NR2F1 protein (p.Ala332Thr).

NM_005654.6(NR2F1):c.994G>A (p.Ala332Thr)

Gene: NR2F1 (nuclear receptor subfamily 2 group F member 1; plus strand). Cytogenetic location: 5q15.
Variant type: single nucleotide variant.
Coding change: c.994G>A on transcript NM_005654.6 (MANE Select); coding-DNA position 994, G replaced by A.
Protein change: p.Ala332Thr; replaces alanine 332 with threonine.
Molecular consequence: missense variant.
Genome position (GRCh38, 1-based): chr5:93,593,564, G>A. VCF-style: chr5-93593564-G-A. GRCh37 (hg19) VCF-style: chr5-92929270-G-A.
Other names: c.544G>A, p.Ala182Thr (NM_001410754.1); c.994G>A (NM_005654.4); short protein forms A332T, A182T.
Identifiers: ClinVar variation 2124628 (VCV002124628.5), dbSNP rs1179276792, ClinGen allele CA360527557.